The following is an entry in ClinVar:

ClinVar aggregate classification (germline): Likely pathogenic (1 of 4 stars; one submission).

Conditions:
Autosomal recessive limb-girdle muscular dystrophy type 2J (LGMDR10). Also called: Limb-girdle muscular dystrophy, type 2J; MUSCULAR DYSTROPHY, LIMB-GIRDLE, AUTOSOMAL RECESSIVE 10. Identifiers: Orphanet 140922, MedGen C1837342, MONDO:0012127, OMIM 608807.
Dilated cardiomyopathy 1G (CMD1G). Identifiers: Orphanet 154, MedGen C1858763, MONDO:0011400, OMIM 604145.

Submission:

Labcorp Genetics (formerly Invitae), Labcorp
Classification: Likely pathogenic for Dilated cardiomyopathy 1G; Autosomal recessive limb-girdle muscular dystrophy type 2J. Last evaluated: 2025-08-17. Review status: criteria provided, single submitter. Criteria: Invitae Variant Classification Sherloc (09022015). Collection method: clinical testing. Allele origin: germline.
Comment: This sequence change creates a premature translational stop signal (p.Lys3161Serfs*12) in the TTN gene. While this is not anticipated to result in nonsense mediated decay, it is expected to create a truncated TTN protein. This variant is not present in population databases (gnomAD no frequency). This variant has not been reported in the literature in individuals affected with TTN-related conditions. This variant is located in the I band of TTN (PMID: 25589632). Truncating variants in this region have been reported in individuals affected with autosomal recessive centronuclear myopathy (PMID: 23975875, internal data). Truncating variants in this region have also been identified in individuals affected with autosomal dominant dilated cardiomyopathy and/or cardio-related conditions (PMID: 27869827, 32964742, internal data). In summary, the currently available evidence indicates that the variant is pathogenic, but additional data are needed to prove that conclusively. Therefore, this variant has been classified as Likely Pathogenic.

Literature cited by the submitters: PubMed 25589632; PubMed 23975875; PubMed 27869827; PubMed 32964742.

NM_001267550.2(TTN):c.9480_9555del (p.Lys3161fs)

Gene: TTN (titin; minus strand). Cytogenetic location: 2q31.2.
Variant type: Deletion.
Coding change: c.9480_9555del on transcript NM_001267550.2 (MANE Select); coding-DNA positions 9480 to 9555, 76 bases deleted.
Protein change: p.Lys3161fs; shifts the reading frame from lysine 3161.
Molecular consequence: frameshift variant.
Genome position (GRCh38, 1-based): chr2:178,766,529-178,766,604, 76 bases deleted. GRCh37 (hg19): chr2:179,631,257-179,631,332.
Other names: c.9480_9555del, p.Lys3161fs (NM_001256850.1, NM_133378.4, NM_133379.5); c.9342_9417del, p.Lys3115fs (NM_003319.4, NM_133432.3, NM_133437.4); short protein forms K3115fs, K3161fs.
Identifiers: ClinVar variation 4785895 (VCV004785895.1).